The following is an entry in ClinVar:

NM_001375567.1(FOCAD):c.2626-1G>T

Gene: FOCAD (focadhesin; plus strand). Cytogenetic location: 9p21.3.
Variant type: single nucleotide variant.
Coding change: c.2626-1G>T on transcript NM_001375567.1 (MANE Select); the canonical splice acceptor site of the intron before coding-DNA position 2626, G replaced by T.
Molecular consequence: splice acceptor variant.
Genome position (GRCh38, 1-based): chr9:20,907,149, G>T. VCF-style: chr9-20907149-G-T. GRCh37 (hg19) VCF-style: chr9-20907148-G-T.
Other names: c.2626-1G>T (NM_017794.5); c.2521-1G>T (NM_001375568.1, NM_001375570.1).
Identifiers: ClinVar variation 3632180 (VCV003632180.2).

ClinVar aggregate classification (germline): Uncertain significance (1 of 4 stars; one submission).

gnomAD v4.1: 15 of 1,611,806 alleles (0.00093%); highest among the groups gnomAD compares: Non-Finnish European, 0.0013%; no homozygotes.

Submission:

Labcorp Genetics (formerly Invitae), Labcorp
Classification: Uncertain significance. Last evaluated: 2024-02-29. Review status: criteria provided, single submitter. Criteria: Invitae Variant Classification Sherloc (09022015). Collection method: clinical testing. Allele origin: germline.
Comment: This sequence change affects an acceptor splice site in intron 23 of the FOCAD gene. It is expected to disrupt RNA splicing. Variants that disrupt the donor or acceptor splice site typically lead to a loss of protein function (PMID: 16199547), however the current clinical and genetic evidence is not sufficient to establish whether loss-of-function variants in FOCAD cause disease. This variant is not present in population databases (gnomAD no frequency). This variant has not been reported in the literature in individuals affected with FOCAD-related conditions. Algorithms developed to predict the effect of sequence changes on RNA splicing suggest that this variant may disrupt the consensus splice site. In summary, the available evidence is currently insufficient to determine the role of this variant in disease. Therefore, it has been classified as a Variant of Uncertain Significance.

Literature cited by the submitters: PubMed 16199547.